The following is an entry in ClinVar:

NM_001042517.2(DIAPH3):c.1014+5G>A

Gene: DIAPH3 (diaphanous related formin 3; minus strand). Cytogenetic location: 13q21.2.
Variant type: single nucleotide variant.
Coding change: c.1014+5G>A on transcript NM_001042517.2 (MANE Select); 5 bases into the intron after coding-DNA position 1014, G replaced by A.
Molecular consequence: intron variant.
Genome position (GRCh38, 1-based): chr13:60,008,539, C>T on the plus strand (G>A on the coding strand, the complement: DIAPH3 is on the minus strand). VCF-style: chr13-60008539-C-T. GRCh37 (hg19) VCF-style: chr13-60582673-C-T.
Other names: c.804+5G>A (NM_001258368.2); c.876+5G>A (NM_001258367.2); c.981+5G>A (NM_001258366.2); c.1014+5G>A (NM_001258369.2); c.225+5G>A (NM_030932.4, NM_001258370.2).
Identifiers: ClinVar variation 4799676 (VCV004799676.1).
Genomic context (GRCh38, chr13:60,008,539, plus strand): 5'-TCATAAAACCGTTAAAAGTAATATATGCCATTTAAAAACAGATTTTATATACACACAAAA[C>T]TTACTTGCAGTTGAACTGAATTGTGCCGGAGGCCTTCCACAATACAAAAAAATCTGTCAA-3'

ClinVar aggregate classification (germline): Uncertain significance (1 of 4 stars; one submission).

gnomAD v4.1: 18 of 1,603,870 alleles (0.0011%); highest among the groups gnomAD compares: African/African-American, 0.0027%; no homozygotes.

Submission:

Labcorp Genetics (formerly Invitae), Labcorp
Classification: Uncertain significance. Last evaluated: 2025-04-03. Review status: criteria provided, single submitter. Criteria: Invitae Variant Classification Sherloc (09022015). Collection method: clinical testing. Allele origin: germline.
Comment: This sequence change falls in intron 9 of the DIAPH3 gene. It does not directly change the encoded amino acid sequence of the DIAPH3 protein. It affects a nucleotide within the consensus splice site. This variant is present in population databases (rs765703699, gnomAD 0.004%). This variant has not been reported in the literature in individuals affected with DIAPH3-related conditions. Variants that disrupt the consensus splice site are a relatively common cause of aberrant splicing (PMID: 17576681, 9536098). Algorithms developed to predict the effect of sequence changes on RNA splicing suggest that this variant may disrupt the consensus splice site. In summary, the available evidence is currently insufficient to determine the role of this variant in disease. Therefore, it has been classified as a Variant of Uncertain Significance.

Literature cited by the submitters: PubMed 17576681; PubMed 9536098.